The following is an entry in ClinVar:

ClinVar aggregate classification (germline): Pathogenic (1 of 4 stars; one submission).

Conditions:
Ataxia-telangiectasia syndrome (AT). Also called: Ataxia-telangiectasia, complementation group E; Ataxia-telangiectasia, complementation group D; AT, COMPLEMENTATION GROUP C; Ataxia-telangiectasia; LOUIS-BAR SYNDROME; Ataxia telangiectasia (A-T). Identifiers: Orphanet 100, MedGen C0004135, MONDO:0008840, OMIM 208900.

Submission:

Labcorp Genetics (formerly Invitae), Labcorp
Classification: Pathogenic for Ataxia-telangiectasia syndrome. Last evaluated: 2023-03-21. Review status: criteria provided, single submitter. Criteria: Invitae Variant Classification Sherloc (09022015). Collection method: clinical testing. Allele origin: germline.
Comment: This sequence change creates a premature translational stop signal (p.Glu1677Lysfs*5) in the ATM gene. It is expected to result in an absent or disrupted protein product. Loss-of-function variants in ATM are known to be pathogenic (PMID: 23807571, 25614872). This variant is not present in population databases (gnomAD no frequency). This variant has not been reported in the literature in individuals affected with ATM-related conditions. Algorithms developed to predict the effect of sequence changes on RNA splicing suggest that this variant may disrupt the consensus splice site. For these reasons, this variant has been classified as Pathogenic.

Literature cited by the submitters: PubMed 23807571; PubMed 25614872.

NM_000051.4(ATM):c.5028del (p.Glu1677fs)

Gene: ATM (ATM serine/threonine kinase; plus strand). Cytogenetic location: 11q22.3.
Variant type: Deletion.
Coding change: c.5028del on transcript NM_000051.4 (MANE Select); coding-DNA position 5028, one base deleted (A; older notation c.5028delA).
Protein change: p.Glu1677fs; shifts the reading frame from glutamic acid 1677.
Molecular consequence: frameshift variant.
Genome position (GRCh38, 1-based): chr11:108,299,736, A deleted. VCF-style (leftmost placement, unchanged base first): chr11-108299735-GA-G. GRCh37 (hg19) VCF-style: chr11-108170462-GA-G.
Other names: c.5028del, p.Glu1677fs (NM_001351834.2); short protein forms E1677fs.
Identifiers: ClinVar variation 3020849 (VCV003020849.3), dbSNP rs2546964090, ClinGen allele CA2740093201.
Genomic context (GRCh38, chr11:108,299,735, plus strand): 5'-TTACCTATGACTCTACTGAAATAGAATTTCTATATGTAGAGGCTGTTGGAAGCTGCTTGG[GA>G]GAAGTGGGTCCTATAGATTTCTCTACCATAGCTATACAACATAGTAAAGATGCATCTTAT-3'